The following is an entry in ClinVar:

NM_199355.4(ADAMTS18):c.56C>T (p.Pro19Leu)

Gene: ADAMTS18 (ADAM metallopeptidase with thrombospondin type 1 motif 18; minus strand). Cytogenetic location: 16q23.1.
Variant type: single nucleotide variant.
Coding change: c.56C>T on transcript NM_199355.4 (MANE Select); coding-DNA position 56, C replaced by T.
Protein change: p.Pro19Leu; replaces proline 19 with leucine.
Molecular consequence: missense variant. On other transcripts: 5 prime UTR variant (1).
Genome position (GRCh38, 1-based): chr16:77,434,640, G>A on the plus strand (C>T on the coding strand, the complement: ADAMTS18 is on the minus strand). VCF-style: chr16-77434640-G-A. GRCh37 (hg19) VCF-style: chr16-77468537-G-A.
Other names: c.-465C>T (NM_001326358.2); c.56C>T (NM_199355.2); short protein forms P19L.
Identifiers: ClinVar variation 844270 (VCV000844270.9), dbSNP rs1324705940, ClinGen allele CA396851918.
Genomic context (GRCh38, chr16:77,434,640, plus strand): 5'-TCGGAGCTCCGCTCGGCGGCACCTGCCTTGGCCACGCGCCCCAGTCCCGCCAGGCCCCTC[G>A]GCGGGCCCGAACCCGCAGCCGGGAAGGCACACGCGAGCAGGAGGGCGCACTCCATGGTCA-3'
Protein context (NP_955387.1, residues 9-29): CAFPAAGSGP[Pro19Leu]RGLAGLGRVA

ClinVar aggregate classification (germline): Uncertain significance. Review status: criteria provided, multiple submitters, no conflicts (2 of 4 stars). 2 submissions from 2 submitters: Uncertain significance (2). Last evaluated 2024-04-15.

Conditions:
Inborn genetic diseases. Identifiers: MedGen C0950123, MeSH D030342.

Allele frequency attached by ClinVar (database versions not stated): TOPMed below 0.00001; gnomAD exomes 0.00001 and 0.00002.

Submissions (2):

Labcorp Genetics (formerly Invitae), Labcorp
Classification: Uncertain significance. Last evaluated: 2024-04-15. Review status: criteria provided, single submitter. Criteria: Invitae Variant Classification Sherloc (09022015). Collection method: clinical testing. Allele origin: germline.
Comment: This sequence change replaces proline, which is neutral and non-polar, with leucine, which is neutral and non-polar, at codon 19 of the ADAMTS18 protein (p.Pro19Leu). The frequency data for this variant in the population databases is considered unreliable, as metrics indicate poor data quality at this position in the gnomAD database. This variant has not been reported in the literature in individuals affected with ADAMTS18-related conditions. ClinVar contains an entry for this variant (Variation ID: 844270). Algorithms developed to predict the effect of missense changes on protein structure and function output the following: SIFT: "Not Available"; PolyPhen-2: "Probably Damaging"; Align-GVGD: "Not Available". The leucine amino acid residue is found in multiple mammalian species, which suggests that this missense change does not adversely affect protein function. In summary, the available evidence is currently insufficient to determine the role of this variant in disease. Therefore, it has been classified as a Variant of Uncertain Significance.

Ambry Genetics
Classification: Uncertain significance for Inborn genetic diseases. Last evaluated: 2023-06-29. Review status: criteria provided, single submitter. Criteria: Ambry Variant Classification Scheme 2023. Collection method: clinical testing. Allele origin: germline.